The following is an entry in ClinVar:

NM_001148.6(ANK2):c.4852G>A (p.Glu1618Lys)

Gene: ANK2 (ankyrin 2; plus strand). Cytogenetic location: 4q26.
Variant type: single nucleotide variant.
Coding change: c.4852G>A on transcript NM_001148.6 (MANE Select); coding-DNA position 4852, G replaced by A.
Protein change: p.Glu1618Lys; replaces glutamic acid 1618 with lysine.
Molecular consequence: missense variant. On other transcripts: intron variant (68).
Genome position (GRCh38, 1-based): chr4:113,353,470, G>A. VCF-style: chr4-113353470-G-A. GRCh37 (hg19) VCF-style: chr4-114274626-G-A.
Other names: c.4618G>A, p.Glu1540Lys (NM_001386142.1); c.1252G>A, p.Glu418Lys (NM_001386166.1); c.4993G>A, p.Glu1665Lys (NM_001386174.1); c.4969G>A, p.Glu1657Lys (NM_001386175.1); c.4411+3221G>A (NM_001386186.2, NM_001386148.2); c.4213+3221G>A (NM_001354269.3); c.4291+3221G>A (NM_001386187.2); c.4252+3221G>A (NM_001386147.1); and 35 more; short protein forms E1540K, E1618K, E1657K, E1665K, E418K.
Identifiers: ClinVar variation 3900796 (VCV003900796.3).

ClinVar aggregate classification (germline): Uncertain significance. Review status: criteria provided, multiple submitters, no conflicts (2 of 4 stars). 2 submissions from 2 submitters: Uncertain significance (2). Last evaluated 2025-06-09.

Conditions:
Cardiovascular phenotype. Identifiers: MedGen CN230736.

gnomAD v4.1: 1 of 1,614,080 alleles (0.000062%); no homozygotes.

Submissions (2):

GeneDx
Classification: Uncertain significance. Last evaluated: 2025-06-09. Review status: criteria provided, single submitter. Criteria: GeneDx Variant Classification Process June 2021. Collection method: clinical testing. Allele origin: germline.
Comment: Not observed at significant frequency in large population cohorts (gnomAD); In silico analysis indicates that this missense variant does not alter protein structure/function; Has not been previously published as pathogenic or benign to our knowledge; This variant is associated with the following publications: (PMID: 1830053, 18790697, 26109584)

Ambry Genetics
Classification: Uncertain significance for Cardiovascular phenotype. Last evaluated: 2025-04-20. Review status: criteria provided, single submitter. Criteria: Ambry Variant Classification Scheme 2023. Collection method: clinical testing. Allele origin: germline.
Comment: The p.E1618K variant (also known as c.4852G>A), located in coding exon 38 of the ANK2 gene, results from a G to A substitution at nucleotide position 4852. The glutamic acid at codon 1618 is replaced by lysine, an amino acid with similar properties. This amino acid position is conserved. In addition, the in silico prediction for this alteration is inconclusive. Based on the available evidence, the clinical significance of this variant remains unclear.